The following is an entry in ClinVar:

ClinVar aggregate classification (germline): Uncertain significance (1 of 4 stars; one submission).

Submission:

Women's Health and Genetics/Laboratory Corporation of America, LabCorp
Classification: Uncertain significance. Last evaluated: 2024-10-21. Review status: criteria provided, single submitter. Criteria: LabCorp Variant Classification Summary - May 2015. Collection method: clinical testing. Allele origin: germline.
Comment: Variant summary: EIF2B3 c.389T>C (p.Met130Thr) results in a non-conservative amino acid change located in the Nucleotidyl transferase domain (Nucleotidyl transferase domain) of the encoded protein sequence. Three of five in-silico tools predict a damaging effect of the variant on protein function. The variant allele was found at a frequency of 3.6e-05 in 251386 control chromosomes. The available data on variant occurrences in the general population are insufficient to allow any conclusion about variant significance. c.389T>C has been reported in the literature in a heterozygous individual affected with premature ovary insufficiency (Liu_2020). These report(s) do not provide unequivocal conclusions about association of the variant with Leukoencephalopathy With Vanishing White Matter. To our knowledge, no experimental evidence demonstrating an impact on protein function has been reported. The following publication have been ascertained in the context of this evaluation (PMID: 32962729). No submitters have cited clinical-significance assessments for this variant to ClinVar. Based on the evidence outlined above, the variant was classified as uncertain significance.

Literature cited by the submitters: PubMed 32962729.

NM_020365.5(EIF2B3):c.389T>C (p.Met130Thr)

Gene: EIF2B3 (eukaryotic translation initiation factor 2B subunit gamma; minus strand). Cytogenetic location: 1p34.1.
Variant type: single nucleotide variant.
Coding change: c.389T>C on transcript NM_020365.5 (MANE Select); coding-DNA position 389, T replaced by C.
Protein change: p.Met130Thr; replaces methionine 130 with threonine.
Molecular consequence: missense variant.
Genome position (GRCh38, 1-based): chr1:44,941,571, A>G on the plus strand (T>C on the coding strand, the complement: EIF2B3 is on the minus strand). VCF-style: chr1-44941571-A-G. GRCh37 (hg19) VCF-style: chr1-45407243-A-G.
Other names: c.389T>C, p.Met130Thr (NM_001166588.3, NM_001261418.2); short protein forms M130T.
Identifiers: ClinVar variation 3385159 (VCV003385159.1).